The following is an entry in ClinVar:

NM_000494.4(COL17A1):c.3580T>C (p.Ser1194Pro)

Gene: COL17A1 (collagen type XVII alpha 1 chain; minus strand). Cytogenetic location: 10q25.1.
Variant type: single nucleotide variant.
Coding change: c.3580T>C on transcript NM_000494.4 (MANE Select); coding-DNA position 3580, T replaced by C.
Protein change: p.Ser1194Pro; replaces serine 1194 with proline.
Molecular consequence: missense variant.
Genome position (GRCh38, 1-based): chr10:104,035,302, A>G on the plus strand (T>C on the coding strand, the complement: COL17A1 is on the minus strand). VCF-style: chr10-104035302-A-G. GRCh37 (hg19) VCF-style: chr10-105795060-A-G.
Other names: c.3580T>C (NM_000494.3); short protein forms S1194P.
Identifiers: ClinVar variation 1049533 (VCV001049533.2), dbSNP rs139697030, ClinGen allele CA5677909.

ClinVar aggregate classification (germline): Uncertain significance. Review status: criteria provided, single submitter (1 of 4 stars). 2 submissions from 2 submitters: Uncertain significance (1). 1 of the submissions does not count toward it. Last evaluated 2023-07-26.

Allele frequency attached by ClinVar (database versions not stated): gnomAD 0.00002; gnomAD exomes 0.00002; TOPMed 0.00002; ExAC 0.00003; ESP Exome Variant Server 0.00008.
gnomAD v4.1: 69 of 1,614,076 alleles (0.0043%); highest among the groups gnomAD compares: Non-Finnish European, 0.0057%; no homozygotes.

Submissions (2):

Women's Health and Genetics/Laboratory Corporation of America, LabCorp
Classification: Uncertain significance. Last evaluated: 2023-07-26. Review status: criteria provided, single submitter. Criteria: LabCorp Variant Classification Summary - May 2015. Collection method: clinical testing. Allele origin: germline.

Department of Pathology and Laboratory Medicine, Sinai Health System
Classification: Uncertain significance. Review status: no assertion criteria provided. Collection method: clinical testing. Allele origin: unknown. Affected: yes. Study: The Canadian Open Genetics Repository (COGR). Not counted in ClinVar's aggregate classification.
Comment: The COL17A1 p.Ser1194Pro variant was not identified in the literature nor was it identified in ClinVar or LOVD 3.0. The variant was identified in dbSNP (ID: rs139697030) and in control databases in 5 of 251026 chromosomes at a frequency of 0.00001992 (Genome Aggregation Database March 6, 2019, v2.1.1). The variant was observed in the European (non-Finnish) population in 5 of 113578 chromosomes (freq: 0.000044), but was not observed in the African, Latino, Ashkenazi Jewish, East Asian, European (Finnish), Other, or South Asian populations. The p.Ser1194 residue is conserved in mammals and computational analyses (PolyPhen-2, SIFT, AlignGVGD, BLOSUM, MutationTaster) provide inconsistent predictions regarding the impact to the protein; this information is not very predictive of pathogenicity. The variant occurs outside of the splicing consensus sequence and 1 of 4 in silico or computational prediction software programs (SpliceSiteFinder, MaxEntScan, NNSPLICE, GeneSplicer) predict a greater than 10% difference in splicing; this is not very predictive of pathogenicity. In summary, based on the above information the clinical significance of this variant cannot be determined with certainty at this time. This variant is classified as a variant of uncertain significance.